The following is an entry in ClinVar:

NM_000143.4(FH):c.555+9del

Gene: FH (fumarate hydratase; minus strand). Cytogenetic location: 1q43.
Variant type: Deletion.
Coding change: c.555+9del on transcript NM_000143.4 (MANE Select); 9 bases into the intron after coding-DNA position 555, one base deleted (G; older notation c.555+9delG).
Molecular consequence: intron variant.
Genome position (GRCh38, 1-based): chr1:241,511,958, C deleted on the plus strand (G on the coding strand, the reverse complement: FH is on the minus strand). VCF-style (leftmost placement, unchanged base first): chr1-241511957-AC-A. GRCh37 (hg19) VCF-style: chr1-241675257-AC-A.
Identifiers: ClinVar variation 2794726 (VCV002794726.4), dbSNP rs2527332375, ClinGen allele CA2739274051.

ClinVar aggregate classification (germline): Likely benign. Review status: criteria provided, multiple submitters, no conflicts (2 of 4 stars). 2 submissions from 2 submitters: Likely benign (2). Last evaluated 2024-10-18.

Conditions:
Hereditary leiomyomatosis and renal cell cancer. Also called: MULTIPLE CUTANEOUS AND UTERINE LEIOMYOMATA 1, WITH OR WITHOUT RENAL CELL CARCINOMA; LEIOMYOMA, MULTIPLE CUTANEOUS; Reed syndrome; Multiple cutaneous and uterine leiomyomatosis; Cutaneous leiomyomata with uterine leiomyomata; Leiomyoma, hereditary multiple, of skin. Identifiers: Orphanet 523, MedGen C1708350, MONDO:0007888, OMIM 150800, HP:0007437. Disease mechanism: loss of function.

Submissions (2):

Myriad Genetics, Inc.
Classification: Likely benign for Hereditary leiomyomatosis and renal cell cancer. Last evaluated: 2024-10-18. Review status: criteria provided, single submitter. Criteria: Myriad Autosomal Dominant, Autosomal Recessive and X-Linked Classification Criteria (2023). Collection method: clinical testing. Allele origin: unknown.
Comment: This variant is considered likely benign. This variant is intronic and is not expected to impact mRNA splicing.

Labcorp Genetics (formerly Invitae), Labcorp
Classification: Likely benign. Last evaluated: 2024-04-09. Review status: criteria provided, single submitter. Criteria: Invitae Variant Classification Sherloc (09022015). Collection method: clinical testing. Allele origin: germline.